The following is an entry in ClinVar:

ClinVar aggregate classification (germline): Uncertain significance (1 of 4 stars; one submission).

Allele frequency attached by ClinVar (database versions not stated): gnomAD exomes below 0.00001.
gnomAD v4.1: 2 of 1,613,962 alleles (0.00012%); highest among the groups gnomAD compares: Non-Finnish European, 0.00017%; no homozygotes.

Submission:

GeneDx
Classification: Uncertain significance. Last evaluated: 2026-02-17. Review status: criteria provided, single submitter. Criteria: GeneDx Variant Classification Process June 2021. Collection method: clinical testing. Allele origin: germline.
Comment: Not observed at significant frequency in large population cohorts (gnomAD); In silico analysis supports that this missense variant has a deleterious effect on protein structure/function; Has not been previously published as pathogenic or benign to our knowledge

NM_001659.3(ARF3):c.452G>A (p.Arg151His)

Gene: ARF3 (ARF GTPase 3; minus strand). Cytogenetic location: 12q13.12.
Variant type: single nucleotide variant.
Coding change: c.452G>A on transcript NM_001659.3 (MANE Select); coding-DNA position 452, G replaced by A.
Protein change: p.Arg151His; replaces arginine 151 with histidine.
Molecular consequence: missense variant.
Genome position (GRCh38, 1-based): chr12:48,939,041, C>T on the plus strand (G>A on the coding strand, the complement: ARF3 is on the minus strand). VCF-style: chr12-48939041-C-T. GRCh37 (hg19) VCF-style: chr12-49332824-C-T.
Other names: c.452G>A, p.Arg151His (NM_001412914.1, NM_001412915.1, NM_001412916.1 and 6 more transcripts); c.341G>A, p.Arg114His (NM_001412932.1); short protein forms R114H, R151H.
Identifiers: ClinVar variation 2579832 (VCV002579832.2), dbSNP rs1940205418, ClinGen allele CA384656048.
Genomic context (GRCh38, chr12:48,939,041, plus strand): 5'-TCCAGGCCTTCGTACAGCCCGTCCCCGCTGGTGGCACAGGTGGCCTGAATGTACCAGTTA[C>T]GGTGACGAAGGGAATGCAGGCCCAGCTTGTCTGTGATCTCAGCAGCGTTCATAGCATTAG-3'
Protein context (NP_001650.1, residues 141-161): DKLGLHSLRH[Arg151His]NWYIQATCAT